The following is an entry in ClinVar:

ClinVar aggregate classification (germline): Uncertain significance (1 of 4 stars; one submission).

gnomAD v4.1: 3 of 1,613,646 alleles (0.00019%); highest among the groups gnomAD compares: South Asian, 0.0033%; no homozygotes.

Submission:

Labcorp Genetics (formerly Invitae), Labcorp
Classification: Uncertain significance. Last evaluated: 2024-06-19. Review status: criteria provided, single submitter. Criteria: Invitae Variant Classification Sherloc (09022015). Collection method: clinical testing. Allele origin: germline.
Comment: This sequence change replaces glycine, which is neutral and non-polar, with alanine, which is neutral and non-polar, at codon 37 of the ANKH protein (p.Gly37Ala). This variant is not present in population databases (gnomAD no frequency). This variant has not been reported in the literature in individuals affected with ANKH-related conditions. Advanced modeling of protein sequence and biophysical properties (such as structural, functional, and spatial information, amino acid conservation, physicochemical variation, residue mobility, and thermodynamic stability) has been performed at Invitae for this missense variant, however the output from this modeling did not meet the statistical confidence thresholds required to predict the impact of this variant on ANKH protein function. In summary, the available evidence is currently insufficient to determine the role of this variant in disease. Therefore, it has been classified as a Variant of Uncertain Significance.

NM_054027.6(ANKH):c.110G>C (p.Gly37Ala)

Gene: ANKH (ANKH inorganic pyrophosphate transport regulator; minus strand). Cytogenetic location: 5p15.2.
Variant type: single nucleotide variant.
Coding change: c.110G>C on transcript NM_054027.6 (MANE Select); coding-DNA position 110, G replaced by C.
Protein change: p.Gly37Ala; replaces glycine 37 with alanine.
Molecular consequence: missense variant.
Genome position (GRCh38, 1-based): chr5:14,769,178, C>G on the plus strand (G>C on the coding strand, the complement: ANKH is on the minus strand). VCF-style: chr5-14769178-C-G. GRCh37 (hg19) VCF-style: chr5-14769287-C-G.
Other names: short protein forms G37A.
Identifiers: ClinVar variation 3676605 (VCV003676605.2).